The following is an entry in ClinVar:

NM_005733.3(KIF20A):c.1595C>T (p.Ser532Phe)

Gene: KIF20A (kinesin family member 20A; plus strand). Cytogenetic location: 5q31.2.
Variant type: single nucleotide variant.
Coding change: c.1595C>T on transcript NM_005733.3 (MANE Select); coding-DNA position 1595, C replaced by T.
Protein change: p.Ser532Phe; replaces serine 532 with phenylalanine.
Molecular consequence: missense variant.
Genome position (GRCh38, 1-based): chr5:138,184,588, C>T. VCF-style: chr5-138184588-C-T. GRCh37 (hg19) VCF-style: chr5-137520277-C-T.
Other names: c.1595C>T (NM_005733.2); short protein forms S532F.
Identifiers: ClinVar variation 2974666 (VCV002974666.4), dbSNP rs758601901, ClinGen allele CA3426652.

ClinVar aggregate classification (germline): Uncertain significance. Review status: criteria provided, multiple submitters, no conflicts (2 of 4 stars). 2 submissions from 2 submitters: Uncertain significance (2). Last evaluated 2024-02-05.

Allele frequency attached by ClinVar (database versions not stated): gnomAD 0.00001; gnomAD exomes 0.00001; TOPMed 0.00001; ExAC 0.00002.
gnomAD v4.1: 12 of 1,614,026 alleles (0.00074%); highest among the groups gnomAD compares: East Asian, 0.027%; no homozygotes.

Submissions (2):

Ambry Genetics
Classification: Uncertain significance. Last evaluated: 2024-02-05. Review status: criteria provided, single submitter. Criteria: Ambry Variant Classification Scheme 2023. Collection method: clinical testing. Allele origin: germline.

Labcorp Genetics (formerly Invitae), Labcorp
Classification: Uncertain significance. Last evaluated: 2023-01-10. Review status: criteria provided, single submitter. Criteria: Invitae Variant Classification Sherloc (09022015). Collection method: clinical testing. Allele origin: germline.
Comment: In summary, the available evidence is currently insufficient to determine the role of this variant in disease. Therefore, it has been classified as a Variant of Uncertain Significance. Algorithms developed to predict the effect of missense changes on protein structure and function are either unavailable or do not agree on the potential impact of this missense change (SIFT: "Deleterious"; PolyPhen-2: "Possibly Damaging"; Align-GVGD: "Class C15"). This variant has not been reported in the literature in individuals affected with KIF20A-related conditions. This variant is present in population databases (rs758601901, gnomAD 0.04%). This sequence change replaces serine, which is neutral and polar, with phenylalanine, which is neutral and non-polar, at codon 532 of the KIF20A protein (p.Ser532Phe).